The following is an entry in ClinVar:

ClinVar aggregate classification (germline): Uncertain significance. Review status: criteria provided, multiple submitters, no conflicts (2 of 4 stars). 2 submissions from 2 submitters: Uncertain significance (2). Last evaluated 2024-03-15.

Conditions:
Inborn genetic diseases. Identifiers: MedGen C0950123, MeSH D030342.
Hereditary spastic paraplegia 11. Also called: Spastic paraplegia, mental retardation and thin corpus callosum; Nakamura Osame syndrome; Autosomal recessive hereditary spastic paraplegia, mental impairment, and thin corpus callosum; SPASTIC PARAPLEGIA, AUTOSOMAL RECESSIVE, COMPLICATED, WITH THIN CORPUS CALLOSUM; SPASTIC PARAPLEGIA, AUTOSOMAL RECESSIVE, WITH MENTAL IMPAIRMENT AND THIN CORPUS CALLOSUM; Spastic Paraplegia 11. Identifiers: Orphanet 2822, MedGen C1858479, MONDO:0011445, OMIM 604360.

Allele frequency attached by ClinVar (database versions not stated): gnomAD 0.00001; ExAC 0.00002; TOPMed 0.00002.
gnomAD v4.1: 39 of 1,613,832 alleles (0.0024%); highest among the groups gnomAD compares: Non-Finnish European, 0.003%; no homozygotes.

Submissions (2):

Ambry Genetics
Classification: Uncertain significance for Inborn genetic diseases. Last evaluated: 2024-03-15. Review status: criteria provided, single submitter. Criteria: Ambry Variant Classification Scheme 2023. Collection method: clinical testing. Allele origin: germline.

Labcorp Genetics (formerly Invitae), Labcorp
Classification: Uncertain significance for Hereditary spastic paraplegia 11. Last evaluated: 2022-07-19. Review status: criteria provided, single submitter. Criteria: Invitae Variant Classification Sherloc (09022015). Collection method: clinical testing. Allele origin: germline.
Comment: This sequence change replaces arginine, which is basic and polar, with tryptophan, which is neutral and slightly polar, at codon 2229 of the SPG11 protein (p.Arg2229Trp). This variant is present in population databases (rs751245734, gnomAD 0.004%). This variant has not been reported in the literature in individuals affected with SPG11-related conditions. ClinVar contains an entry for this variant (Variation ID: 660202). Algorithms developed to predict the effect of missense changes on protein structure and function are either unavailable or do not agree on the potential impact of this missense change (SIFT: "Deleterious"; PolyPhen-2: "Probably Damaging"; Align-GVGD: "Class C0"). In summary, the available evidence is currently insufficient to determine the role of this variant in disease. Therefore, it has been classified as a Variant of Uncertain Significance.

NM_025137.4(SPG11):c.6685C>T (p.Arg2229Trp)

Gene: SPG11 (SPG11 vesicle trafficking associated, spatacsin; minus strand). Cytogenetic location: 15q21.1.
Variant type: single nucleotide variant.
Coding change: c.6685C>T on transcript NM_025137.4 (MANE Select); coding-DNA position 6685, C replaced by T.
Protein change: p.Arg2229Trp; replaces arginine 2229 with tryptophan.
Molecular consequence: missense variant.
Genome position (GRCh38, 1-based): chr15:44,567,493, G>A on the plus strand (C>T on the coding strand, the complement: SPG11 is on the minus strand). VCF-style: chr15-44567493-G-A. GRCh37 (hg19) VCF-style: chr15-44859691-G-A.
Other names: c.6346C>T, p.Arg2116Trp (NM_001160227.2); short protein forms R2116W, R2229W.
Identifiers: ClinVar variation 660202 (VCV000660202.8), dbSNP rs751245734, ClinGen allele CA7534049.
Genomic context (GRCh38, chr15:44,567,493, plus strand): 5'-GAGACTCAATCAATTTCAGTTGGATGCGGGCAGCTGCCTCGTGGTTCTCGCCAATCTCCC[G>A]GCACATGCTGAAGCACAGGGCAATCATATTGTGCTTTTCACTGTCTCCAGGACGGCAGCG-3'
Protein context (NP_079413.3, residues 2219-2239): NMIALCFSMC[Arg2229Trp]EIGENHEAAA